The following is an entry in ClinVar:

ClinVar aggregate classification (germline): Likely benign (0 of 4 stars; one submission).

Conditions:
PRKCG-related disorder. Also called: PRKCG-related condition.

Allele frequency attached by ClinVar (database versions not stated): gnomAD exomes below 0.00001; ExAC 0.00001.
gnomAD v4.1: 1 of 1,614,096 alleles (0.000062%); highest among the groups gnomAD compares: South Asian, 0.0011%; no homozygotes.

Submission:

PreventionGenetics, part of Exact Sciences
Classification: Likely benign for PRKCG-related condition. Last evaluated: 2021-03-22. Review status: no assertion criteria provided. Collection method: clinical testing. Allele origin: germline.
Comment: This variant is classified as likely benign based on ACMG/AMP sequence variant interpretation guidelines (Richards et al. 2015 PMID: 25741868, with internal and published modifications).

NM_002739.5(PRKCG):c.879T>C (p.Ala293=)

Gene: PRKCG (protein kinase C gamma; plus strand). Cytogenetic location: 19q13.42.
Variant type: single nucleotide variant.
Coding change: c.879T>C on transcript NM_002739.5 (MANE Select); coding-DNA position 879, T replaced by C.
Protein change: p.Ala293=; no amino-acid change (alanine 293 retained).
Molecular consequence: synonymous variant.
Genome position (GRCh38, 1-based): chr19:53,893,045, T>C. VCF-style: chr19-53893045-T-C. GRCh37 (hg19) VCF-style: chr19-54396299-T-C.
Other names: c.879T>C, p.Ala293= (NM_001316329.2).
Identifiers: ClinVar variation 3030386 (VCV003030386.2), dbSNP rs756757476, ClinGen allele CA9640432.